The following is an entry in ClinVar:

NM_000217.3(KCNA1):c.641C>T (p.Ser214Phe)

Gene: KCNA1 (potassium voltage-gated channel subfamily A member 1; plus strand). Cytogenetic location: 12p13.32.
Variant type: single nucleotide variant.
Coding change: c.641C>T on transcript NM_000217.3 (MANE Select); coding-DNA position 641, C replaced by T.
Protein change: p.Ser214Phe; replaces serine 214 with phenylalanine.
Molecular consequence: missense variant.
Genome position (GRCh38, 1-based): chr12:4,912,019, C>T. VCF-style: chr12-4912019-C-T. GRCh37 (hg19) VCF-style: chr12-5021185-C-T.
Other names: short protein forms S214F.
Identifiers: ClinVar variation 998939 (VCV000998939.10), dbSNP rs764561596, ClinGen allele CA6399409.
Genomic context (GRCh38, chr12:4,912,019, plus strand): 5'-ATGACAAGGACTTCACGGGCACCGTCCACCGCATCGACAACACCACGGTCATCTACAATT[C>T]CAACATCTTCACAGACCCCTTCTTCATCGTGGAAACGCTGTGTATCATCTGGTTCTCCTT-3'
Protein context (NP_000208.2, residues 204-224): RIDNTTVIYN[Ser214Phe]NIFTDPFFIV

ClinVar aggregate classification (germline): Uncertain significance. Review status: criteria provided, multiple submitters, no conflicts (2 of 4 stars). 2 submissions from 2 submitters: Uncertain significance (2). Last evaluated 2024-08-21.

Conditions:
Episodic ataxia type 1 (EA1). Also called: MYOKYMIA WITH PERIODIC ATAXIA; PAROXYSMAL ATAXIA WITH NEUROMYOTONIA, HEREDITARY; Episodic ataxia/myokymia syndrome; ATAXIA, EPISODIC, WITH MYOKYMIA. Identifiers: Orphanet 37612, Orphanet 972, MedGen C1719788, MONDO:0008047, OMIM 160120.

Allele frequency attached by ClinVar (database versions not stated): ExAC 0.00001; gnomAD exomes 0.00001; gnomAD 0.00003; TOPMed 0.00003.

Submissions (2):

Labcorp Genetics (formerly Invitae), Labcorp
Classification: Uncertain significance for Episodic ataxia type 1. Last evaluated: 2024-08-21. Review status: criteria provided, single submitter. Criteria: Invitae Variant Classification Sherloc (09022015). Collection method: clinical testing. Allele origin: germline.
Comment: This sequence change replaces serine, which is neutral and polar, with phenylalanine, which is neutral and non-polar, at codon 214 of the KCNA1 protein (p.Ser214Phe). This variant is present in population databases (rs764561596, gnomAD 0.008%). This variant has not been reported in the literature in individuals affected with KCNA1-related conditions. ClinVar contains an entry for this variant (Variation ID: 998939). Invitae Evidence Modeling of protein sequence and biophysical properties (such as structural, functional, and spatial information, amino acid conservation, physicochemical variation, residue mobility, and thermodynamic stability) indicates that this missense variant is not expected to disrupt KCNA1 protein function with a negative predictive value of 80%. In summary, the available evidence is currently insufficient to determine the role of this variant in disease. Therefore, it has been classified as a Variant of Uncertain Significance.

Fulgent Genetics
Classification: Uncertain significance for Episodic ataxia type 1. Last evaluated: 2024-02-20. Review status: criteria provided, single submitter. Criteria: ACMG Guidelines, 2015. Collection method: clinical testing. Allele origin: germline.